The following is an entry in ClinVar:

NM_053025.4(MYLK):c.463A>G (p.Ile155Val)

Gene: MYLK (myosin light chain kinase; minus strand). Cytogenetic location: 3q21.1.
Variant type: single nucleotide variant.
Coding change: c.463A>G on transcript NM_053025.4 (MANE Select); coding-DNA position 463, A replaced by G.
Protein change: p.Ile155Val; replaces isoleucine 155 with valine.
Molecular consequence: missense variant. On other transcripts: 5 prime UTR variant (1).
Genome position (GRCh38, 1-based): chr3:123,739,022, T>C on the plus strand (A>G on the coding strand, the complement: MYLK is on the minus strand). VCF-style: chr3-123739022-T-C. GRCh37 (hg19) VCF-style: chr3-123457869-T-C.
Other names: c.-66A>G (NM_001321309.2); c.463A>G, p.Ile155Val (NM_053026.4, NM_053027.4, NM_053028.4); short protein forms I155V.
Identifiers: ClinVar variation 409692 (VCV000409692.12), dbSNP rs368775754, ClinGen allele CA072184.
Genomic context (GRCh38, chr3:123,739,022, plus strand): 5'-CTTCTTTGACCACAACTCGGCCCAGCTTGGTAGCAAACTTTGGTGGGCACTCCCCCCAGA[T>C]GCTAGGACGGGTCTCCACTGCTGGAGCTGAAAATCTATCCCTGTAAGGAAATTGGCAGAG-3'
Protein context (NP_444253.3, residues 145-165): SAPAVETRPS[Ile155Val]WGECPPKFAT

ClinVar aggregate classification (germline): Uncertain significance. Review status: criteria provided, single submitter (1 of 4 stars). 2 submissions from 2 submitters: Uncertain significance (1). 1 of the submissions does not count toward it. Last evaluated 2023-11-03.

Conditions:
MYLK-related disorder. Also called: MYLK-related condition.
Aortic aneurysm, familial thoracic 7 (AAT7). Also called: AORTIC DISSECTION, FAMILIAL, WITH OR WITHOUT AORTIC ANEURYSM. Identifiers: MedGen C3151077, MONDO:0013418, OMIM 613780.

Allele frequency attached by ClinVar (database versions not stated): gnomAD exomes 0.00002; TOPMed 0.00002; ExAC 0.00003; gnomAD 0.00006; ESP Exome Variant Server 0.00008.
gnomAD v4.1: 8 of 1,613,824 alleles (0.0005%); highest among the groups gnomAD compares: East Asian, 0.0045%; no homozygotes.

Submissions (2):

Labcorp Genetics (formerly Invitae), Labcorp
Classification: Uncertain significance for Aortic aneurysm, familial thoracic 7. Last evaluated: 2023-11-03. Review status: criteria provided, single submitter. Criteria: Invitae Variant Classification Sherloc (09022015). Collection method: clinical testing. Allele origin: germline.
Comment: This sequence change replaces isoleucine, which is neutral and non-polar, with valine, which is neutral and non-polar, at codon 155 of the MYLK protein (p.Ile155Val). This variant is present in population databases (rs368775754, gnomAD 0.01%). This variant has not been reported in the literature in individuals affected with MYLK-related conditions. ClinVar contains an entry for this variant (Variation ID: 409692). Advanced modeling of protein sequence and biophysical properties (such as structural, functional, and spatial information, amino acid conservation, physicochemical variation, residue mobility, and thermodynamic stability) performed at Invitae indicates that this missense variant is not expected to disrupt MYLK protein function with a negative predictive value of 95%. In summary, the available evidence is currently insufficient to determine the role of this variant in disease. Therefore, it has been classified as a Variant of Uncertain Significance.

PreventionGenetics, part of Exact Sciences
Classification: Uncertain significance for MYLK-related condition. Last evaluated: 2024-07-31. Review status: no assertion criteria provided. Collection method: clinical testing. Allele origin: germline. Not counted in ClinVar's aggregate classification.
Comment: The MYLK c.463A>G variant is predicted to result in the amino acid substitution p.Ile155Val. To our knowledge, this variant has not been reported in the literature. This variant is reported in 0.010% of alleles in individuals of East Asian descent in gnomAD. At this time, the clinical significance of this variant is uncertain due to the absence of conclusive functional and genetic evidence.